The following is an entry in ClinVar:

NM_001429.4(EP300):c.6716T>C (p.Met2239Thr)

Gene: EP300 (EP300 lysine acetyltransferase; plus strand). Cytogenetic location: 22q13.2.
Variant type: single nucleotide variant.
Coding change: c.6716T>C on transcript NM_001429.4 (MANE Select); coding-DNA position 6716, T replaced by C.
Protein change: p.Met2239Thr; replaces methionine 2239 with threonine.
Molecular consequence: missense variant.
Genome position (GRCh38, 1-based): chr22:41,178,427, T>C. VCF-style: chr22-41178427-T-C. GRCh37 (hg19) VCF-style: chr22-41574431-T-C.
Other names: c.6638T>C, p.Met2213Thr (NM_001362843.2); short protein forms M2213T, M2239T.
Identifiers: ClinVar variation 2401988 (VCV002401988.7), dbSNP rs775274711, ClinGen allele CA10253937.

ClinVar aggregate classification (germline): Conflicting classifications of pathogenicity. Review status: criteria provided, conflicting classifications (1 of 4 stars). 3 submissions from 3 submitters: Uncertain significance (1); Likely benign (2). Last evaluated 2025-10-15.

Conditions:
EP300-related disorder. Also called: EP300-related disorders; EP300-related condition.
Inborn genetic diseases. Identifiers: MedGen C0950123, MeSH D030342.
Rubinstein-Taybi syndrome due to EP300 haploinsufficiency. Also called: EP300-Related Rubinstein-Taybi Syndrome; RUBINSTEIN-TAYBI SYNDROME 2. Identifiers: Orphanet 353284, Orphanet 783, MedGen C3150941, MONDO:0013364, OMIM 613684.

gnomAD v4.1: 64 of 1,613,932 alleles (0.004%); highest among the groups gnomAD compares: Admixed American, 0.0067%; no homozygotes.

Submissions (3):

PreventionGenetics, part of Exact Sciences
Classification: Uncertain significance for EP300-related condition. Last evaluated: 2025-10-15. Review status: criteria provided, single submitter. Criteria: ACMG Guidelines, 2015. Collection method: clinical testing. Allele origin: germline.
Comment: The EP300 c.6716T>C variant is predicted to result in the amino acid substitution p.Met2239Thr. To our knowledge, this variant has not been reported in the literature. This variant is reported in 0.0087% of alleles in individuals of Latino descent in gnomAD. At this time, the clinical significance of this variant is uncertain due to the absence of conclusive functional and genetic evidence.

Labcorp Genetics (formerly Invitae), Labcorp
Classification: Likely benign for Rubinstein-Taybi syndrome due to EP300 haploinsufficiency. Last evaluated: 2025-09-24. Review status: criteria provided, single submitter. Criteria: Invitae Variant Classification Sherloc (09022015). Collection method: clinical testing. Allele origin: germline.

Ambry Genetics
Classification: Likely benign for Inborn genetic diseases. Last evaluated: 2021-10-29. Review status: criteria provided, single submitter. Criteria: Ambry Variant Classification Scheme 2023. Collection method: clinical testing. Allele origin: germline.